The following is an entry in ClinVar:

ClinVar aggregate classification (germline): Uncertain significance (1 of 4 stars; one submission).

Submission:

Mayo Clinic Laboratories, Mayo Clinic
Classification: Uncertain significance. Last evaluated: 2025-04-09. Review status: criteria provided, single submitter. Criteria: ACMG Guidelines, 2015. Collection method: clinical testing. Allele origin: germline. Observed: 1 variant allele.
Comment: BP4_moderate, PM2_supporting

NM_025099.6(CTC1):c.2335A>G (p.Thr779Ala)

Gene: CTC1 (CST telomere replication complex component 1; minus strand). Cytogenetic location: 17p13.1.
Variant type: single nucleotide variant.
Coding change: c.2335A>G on transcript NM_025099.6 (MANE Select); coding-DNA position 2335, A replaced by G.
Protein change: p.Thr779Ala; replaces threonine 779 with alanine.
Molecular consequence: missense variant. On other transcripts: non-coding transcript variant (1).
Genome position (GRCh38, 1-based): chr17:8,231,953, T>C on the plus strand (A>G on the coding strand, the complement: CTC1 is on the minus strand). VCF-style: chr17-8231953-T-C. GRCh37 (hg19) VCF-style: chr17-8135271-T-C.
Other names: p.Thr779Ala; c.2335A>G, p.Thr779Ala (NM_001411067.1); short protein forms T779A.
Identifiers: ClinVar variation 4542124 (VCV004542124.1).